The following is an entry in ClinVar:

ClinVar aggregate classification (germline): Uncertain significance. Review status: criteria provided, multiple submitters, no conflicts (2 of 4 stars). 2 submissions from 2 submitters: Uncertain significance (2). Last evaluated 2026-06-03.

gnomAD v4.1: 3 of 1,614,214 alleles (0.00019%); highest among the groups gnomAD compares: Non-Finnish European, 0.00025%; no homozygotes.

Submissions (2):

GeneDx
Classification: Uncertain significance. Last evaluated: 2026-06-03. Review status: criteria provided, single submitter. Criteria: GeneDx Variant Classification Process June 2021. Collection method: clinical testing. Allele origin: germline.
Comment: Not observed at significant frequency in large population cohorts (gnomAD); In silico analysis suggests that this missense variant does not alter protein structure/function; Has not been previously published as pathogenic or benign to our knowledge

Labcorp Genetics (formerly Invitae), Labcorp
Classification: Uncertain significance. Last evaluated: 2025-08-30. Review status: criteria provided, single submitter. Criteria: Invitae Variant Classification Sherloc (09022015). Collection method: clinical testing. Allele origin: germline.
Comment: This sequence change replaces serine, which is neutral and polar, with glycine, which is neutral and non-polar, at codon 415 of the TFAP2A protein (p.Ser415Gly). This variant is not present in population databases (gnomAD no frequency). This variant has not been reported in the literature in individuals affected with TFAP2A-related conditions. ClinVar contains an entry for this variant (Variation ID: 3368594). Invitae Evidence Modeling of protein sequence and biophysical properties (such as structural, functional, and spatial information, amino acid conservation, physicochemical variation, residue mobility, and thermodynamic stability) indicates that this missense variant is not expected to disrupt TFAP2A protein function with a negative predictive value of 80%. In summary, the available evidence is currently insufficient to determine the role of this variant in disease. Therefore, it has been classified as a Variant of Uncertain Significance.

NM_001372066.1(TFAP2A):c.1249A>G (p.Ser417Gly)

Gene: TFAP2A (transcription factor AP-2 alpha; minus strand). Cytogenetic location: 6p24.3.
Variant type: single nucleotide variant.
Coding change: c.1249A>G on transcript NM_001372066.1 (MANE Select); coding-DNA position 1249, A replaced by G.
Protein change: p.Ser417Gly; replaces serine 417 with glycine.
Molecular consequence: missense variant.
Genome position (GRCh38, 1-based): chr6:10,398,488, T>C on the plus strand (A>G on the coding strand, the complement: TFAP2A is on the minus strand). VCF-style: chr6-10398488-T-C. GRCh37 (hg19) VCF-style: chr6-10398721-T-C.
Other names: c.1225A>G, p.Ser409Gly (NM_001032280.3); c.1231A>G, p.Ser411Gly (NM_001042425.3); short protein forms S409G, S411G, S417G.
Identifiers: ClinVar variation 3368594 (VCV003368594.3).